The following is an entry in ClinVar:

ClinVar aggregate classification (germline): Uncertain significance (1 of 4 stars; one submission).

Conditions:
Epileptic encephalopathy. Identifiers: MedGen C0543888, HP:0200134.

Allele frequency attached by ClinVar (database versions not stated): TOPMed below 0.00001.

Submission:

Labcorp Genetics (formerly Invitae), Labcorp
Classification: Uncertain significance for Epileptic encephalopathy. Last evaluated: 2019-11-11. Review status: criteria provided, single submitter. Criteria: Invitae Variant Classification Sherloc (09022015). Collection method: clinical testing. Allele origin: germline.
Comment: Algorithms developed to predict the effect of missense changes on protein structure and function (SIFT, PolyPhen-2, Align-GVGD) all suggest that this variant is likely to be disruptive, but these predictions have not been confirmed by published functional studies and their clinical significance is uncertain. In summary, the available evidence is currently insufficient to determine the role of this variant in disease. Therefore, it has been classified as a Variant of Uncertain Significance. This variant has not been reported in the literature in individuals with RYR3-related conditions. This sequence change replaces valine with glutamic acid at codon 2592 of the RYR3 protein (p.Val2592Glu). The valine residue is highly conserved and there is a moderate physicochemical difference between valine and glutamic acid. This variant is not present in population databases (ExAC no frequency).

NM_001036.6(RYR3):c.7775T>A (p.Val2592Glu)

Gene: RYR3 (ryanodine receptor 3; plus strand). Cytogenetic location: 15q14.
Variant type: single nucleotide variant.
Coding change: c.7775T>A on transcript NM_001036.6 (MANE Select); coding-DNA position 7775, T replaced by A.
Protein change: p.Val2592Glu; replaces valine 2592 with glutamic acid.
Molecular consequence: missense variant.
Genome position (GRCh38, 1-based): chr15:33,739,950, T>A. VCF-style: chr15-33739950-T-A. GRCh37 (hg19) VCF-style: chr15-34032151-T-A.
Other names: c.7775T>A, p.Val2592Glu (NM_001243996.4); short protein forms V2592E.
Identifiers: ClinVar variation 963572 (VCV000963572.9), dbSNP rs2069910315, ClinGen allele CA391580789.